The following is an entry in ClinVar:

NM_013275.6(ANKRD11):c.5043A>T (p.Ala1681=)

Gene: ANKRD11 (ankyrin repeat domain 11; minus strand). Cytogenetic location: 16q24.3.
Variant type: single nucleotide variant.
Coding change: c.5043A>T on transcript NM_013275.6 (MANE Select); coding-DNA position 5043, A replaced by T.
Protein change: p.Ala1681=; no amino-acid change (alanine 1681 retained).
Molecular consequence: synonymous variant.
Genome position (GRCh38, 1-based): chr16:89,281,499, T>A on the plus strand (A>T on the coding strand, the complement: ANKRD11 is on the minus strand). VCF-style: chr16-89281499-T-A. GRCh37 (hg19) VCF-style: chr16-89347907-T-A.
Other names: c.5043A>T, p.Ala1681= (NM_001256182.2, NM_001256183.2).
Identifiers: ClinVar variation 790961 (VCV000790961.35), dbSNP rs137953940, ClinGen allele CA8241973.

ClinVar aggregate classification (germline): Benign/Likely benign. Review status: criteria provided, multiple submitters, no conflicts (2 of 4 stars). 5 submissions from 5 submitters: Benign (1); Likely benign (4). Last evaluated 2026-05-12.

Conditions:
KBG syndrome (KBGS). Also called: ANKRD11-Related KBG Syndrome. Identifiers: Orphanet 2332, MedGen C0220687, MONDO:0007846, OMIM 148050.

Allele frequency attached by ClinVar (database versions not stated): TOPMed 0.00008; gnomAD 0.00009 and 0.00011; gnomAD exomes 0.00012; ESP Exome Variant Server 0.00015; ExAC 0.00016.
gnomAD v4.1: 179 of 1,614,084 alleles (0.011%); highest among the groups gnomAD compares: Non-Finnish European, 0.013%; no homozygotes.

Submissions (5):

Women's Health and Genetics/Laboratory Corporation of America, LabCorp
Classification: Benign. Last evaluated: 2026-05-12. Review status: criteria provided, single submitter. Criteria: LabCorp Variant Classification Summary - May 2015. Collection method: clinical testing. Allele origin: germline.

Labcorp Genetics (formerly Invitae), Labcorp
Classification: Likely benign for KBG syndrome. Last evaluated: 2026-01-21. Review status: criteria provided, single submitter. Criteria: Invitae Variant Classification Sherloc (09022015). Collection method: clinical testing. Allele origin: germline.

Blueprint Genetics
Classification: Likely benign. Last evaluated: 2024-09-06. Review status: criteria provided, single submitter. Criteria: ACMG Guidelines, 2015. Collection method: clinical testing. Allele origin: germline.

CeGaT Center for Human Genetics Tuebingen
Classification: Likely benign. Last evaluated: 2022-07-01. Review status: criteria provided, single submitter. Criteria: CeGaT Center For Human Genetics Tuebingen Variant Classification Criteria Version 2. Collection method: clinical testing. Allele origin: germline. Affected: yes. Observed: 2 variant alleles.
Comment: ANKRD11: BP4, BP7

GeneDx
Classification: Likely benign. Last evaluated: 2020-11-09. Review status: criteria provided, single submitter. Criteria: GeneDx Variant Classification Process June 2021. Collection method: clinical testing. Allele origin: germline. Affected: yes.